The following is an entry in ClinVar:

ClinVar aggregate classification (germline): Likely pathogenic. Review status: criteria provided, multiple submitters, no conflicts (2 of 4 stars). 2 submissions from 2 submitters: Likely pathogenic (2). Last evaluated 2023-08-16.

Conditions:
Joubert syndrome. Also called: JOUBERT-BOLTSHAUSER SYNDROME; Familial aplasia of the vermis. Identifiers: Orphanet 475, MedGen C5979921, MONDO:0018772.
Meckel-Gruber syndrome. Also called: DYSENCEPHALIA SPLANCHNOCYSTICA; GRUBER SYNDROME; Dysencephalia splachnocystica. Identifiers: Orphanet 564, MedGen C0265215, MONDO:0018921.
CC2D2A-related disorder. Also called: CC2D2A-related condition; CC2D2A-related disorders. Identifiers: MedGen CN239313.

Submissions (2):

Labcorp Genetics (formerly Invitae), Labcorp
Classification: Likely pathogenic for Joubert syndrome; Meckel-Gruber syndrome. Last evaluated: 2023-08-16. Review status: criteria provided, single submitter. Criteria: Invitae Variant Classification Sherloc (09022015). Collection method: clinical testing. Allele origin: germline.
Comment: This sequence change affects a donor splice site in intron 4 of the CC2D2A gene. It is expected to disrupt RNA splicing. Variants that disrupt the donor or acceptor splice site typically lead to a loss of protein function (PMID: 16199547), and loss-of-function variants in CC2D2A are known to be pathogenic (PMID: 19777577). This variant is not present in population databases (gnomAD no frequency). In summary, the currently available evidence indicates that the variant is pathogenic, but additional data are needed to prove that conclusively. Therefore, this variant has been classified as Likely Pathogenic. Algorithms developed to predict the effect of sequence changes on RNA splicing suggest that this variant may disrupt the consensus splice site. This variant has not been reported in the literature in individuals affected with CC2D2A-related conditions.

Blueprint Genetics
Classification: Likely pathogenic for CC2D2A-related disorders. Last evaluated: 2019-02-26. Review status: criteria provided, single submitter. Criteria: ACMG Guidelines, 2015. Collection method: clinical testing. Allele origin: germline. Affected: yes. Observed: 1 variant allele.

Literature cited by the submitters: PubMed 16199547 (cited by Labcorp Genetics (formerly Invitae), Labcorp); PubMed 19777577 (cited by Labcorp Genetics (formerly Invitae), Labcorp).

NM_001378615.1(CC2D2A):c.123+2T>G

Genes: CC2D2A (coiled-coil and C2 domain containing 2A; plus strand), FBXL5 (F-box and leucine rich repeat protein 5; minus strand). Cytogenetic location: 4p15.32.
Variant type: single nucleotide variant.
Coding change: c.123+2T>G on transcript NM_001378615.1 (MANE Select); the canonical splice donor site of the intron after coding-DNA position 123, T replaced by G.
Molecular consequence: splice donor variant.
Genome position (GRCh38, 1-based): chr4:15,478,808, T>G. VCF-style: chr4-15478808-T-G. GRCh37 (hg19) VCF-style: chr4-15480432-T-G.
Other names: c.123+2T>G (NM_001080522.2, NM_020785.2, NM_001164720.3).
Identifiers: ClinVar variation 2950749 (VCV002950749.4), dbSNP rs2474823496, ClinGen allele CA356407252.
Genomic context (GRCh38, chr4:15,478,808, plus strand): 5'-CAGACATGGGAAGACAGAATAAGAACTCAAAGGTTCGAAGACAGCCAAGAAAGAAACAGG[T>G]AAGAAGTGACAAGAAACTGTGTCTGCGTATTGTCATTGATCAACAACCCGCCTGCATCCC-3'